The following is an entry in ClinVar:

ClinVar aggregate classification (germline): Uncertain significance (1 of 4 stars; one submission).

Allele frequency attached by ClinVar (database versions not stated): ExAC 0.00001; gnomAD exomes 0.00001; gnomAD 0.00004 and 0.00005; TOPMed 0.00004.
gnomAD v4.1: 14 of 1,613,942 alleles (0.00087%); highest among the groups gnomAD compares: African/African-American, 0.019%; no homozygotes.

Submission:

Labcorp Genetics (formerly Invitae), Labcorp
Classification: Uncertain significance. Last evaluated: 2024-01-19. Review status: criteria provided, single submitter. Criteria: Invitae Variant Classification Sherloc (09022015). Collection method: clinical testing. Allele origin: germline.
Comment: This sequence change replaces asparagine, which is neutral and polar, with threonine, which is neutral and polar, at codon 85 of the CA4 protein (p.Asn85Thr). This variant is present in population databases (rs779911940, gnomAD 0.03%). This variant has not been reported in the literature in individuals affected with CA4-related conditions. ClinVar contains an entry for this variant (Variation ID: 1404380). Advanced modeling of protein sequence and biophysical properties (such as structural, functional, and spatial information, amino acid conservation, physicochemical variation, residue mobility, and thermodynamic stability) performed at Invitae indicates that this missense variant is expected to disrupt CA4 protein function with a positive predictive value of 80%. In summary, the available evidence is currently insufficient to determine the role of this variant in disease. Therefore, it has been classified as a Variant of Uncertain Significance.

NM_000717.5(CA4):c.254A>C (p.Asn85Thr)

Gene: CA4 (carbonic anhydrase 4; plus strand). Cytogenetic location: 17q23.1.
Variant type: single nucleotide variant.
Coding change: c.254A>C on transcript NM_000717.5 (MANE Select); coding-DNA position 254, A replaced by C.
Protein change: p.Asn85Thr; replaces asparagine 85 with threonine.
Molecular consequence: missense variant. On other transcripts: non-coding transcript variant (1).
Genome position (GRCh38, 1-based): chr17:60,156,701, A>C. VCF-style: chr17-60156701-A-C. GRCh37 (hg19) VCF-style: chr17-58234062-A-C.
Other names: short protein forms N85T.
Identifiers: ClinVar variation 1404380 (VCV001404380.8), dbSNP rs779911940, ClinGen allele CA8685273.